The following is an entry in ClinVar:

ClinVar aggregate classification (germline): Pathogenic/Likely pathogenic. Review status: criteria provided, multiple submitters, no conflicts (2 of 4 stars). 5 submissions from 5 submitters: Pathogenic (3); Likely pathogenic (2). Last evaluated 2026-02-26.

Conditions:
NF1-related disorder. Also called: NF1-related condition. Identifiers: MedGen CN379171.
Cardiovascular phenotype. Identifiers: MedGen CN230736.
Hereditary cancer-predisposing syndrome. Also called: Neoplastic Syndromes, Hereditary; Hereditary Cancer Syndrome; Tumor predisposition; Hereditary neoplastic syndrome. Identifiers: Orphanet 140162, MedGen C0027672, MeSH D009386, MONDO:0015356.
Neurofibromatosis, type 1 (NF1). Also called: Neurofibromatosis, type I; NEUROFIBROMATOSIS, TYPE I, SOMATIC; Peripheral type neurofibromatosis; VON RECKLINGHAUSEN DISEASE. Identifiers: Orphanet 636, MedGen C0027831, MONDO:0018975, OMIM 162200. Disease mechanism: loss of function.

Submissions (5):

NHS Central & South Genomic Laboratory Hub
Classification: Pathogenic for Neurofibromatosis type 1. Last evaluated: 2026-02-26. Review status: criteria provided, single submitter. Criteria: ACMG Guidelines, 2015. Collection method: clinical testing. Allele origin: germline. Affected: yes.

Ambry Genetics
Classification: Likely pathogenic for Cardiovascular phenotype; Hereditary cancer-predisposing syndrome. Last evaluated: 2025-08-13. Review status: criteria provided, single submitter. Criteria: Ambry Variant Classification Scheme 2023. Collection method: clinical testing. Allele origin: germline.
Comment: The c.6580-2A>G intronic variant results from an A to G substitution two nucleotides upstream from coding exon 43 in the NF1 gene. This nucleotide position is highly conserved in available vertebrate species. This variant was reported in individual(s) with features consistent with neurofibromatosis type 1 (Kang E et al. J Hum Genet, 2020 Jan;65:79-89; Koster R et al. NPJ Genom Med, 2021 Nov;6:95). In silico splice site analysis predicts that this alteration will weaken the native splice acceptor site and may result in the creation or strengthening of a novel splice acceptor site. RNA studies have demonstrated that this alteration results in abnormal splicing (Koster R et al. NPJ Genom Med, 2021 Nov;6:95; Ambry internal data). This variant is considered to be rare based on population cohorts in the Genome Aggregation Database (gnomAD). Based on the majority of available evidence to date, this variant is likely to be pathogenic.

Labcorp Genetics (formerly Invitae), Labcorp
Classification: Pathogenic for Neurofibromatosis, type 1. Last evaluated: 2025-06-22. Review status: criteria provided, single submitter. Criteria: Invitae Variant Classification Sherloc (09022015). Collection method: clinical testing. Allele origin: germline.
Comment: This sequence change affects an acceptor splice site in intron 42 of the NF1 gene. It is expected to disrupt RNA splicing. Variants that disrupt the donor or acceptor splice site typically lead to a loss of protein function (PMID: 16199547), and loss-of-function variants in NF1 are known to be pathogenic (PMID: 10712197, 23913538). This variant is not present in population databases (gnomAD no frequency). Disruption of this splice site has been observed in individual(s) with clinical features of neurofibromatosis type 1 (PMID: 31776437; internal data). ClinVar contains an entry for this variant (Variation ID: 652474). Algorithms developed to predict the effect of sequence changes on RNA splicing suggest that this variant may disrupt the consensus splice site. For these reasons, this variant has been classified as Pathogenic.

Women's Health and Genetics/Laboratory Corporation of America, LabCorp
Classification: Pathogenic for Neurofibromatosis, type 1. Last evaluated: 2022-06-24. Review status: criteria provided, single submitter. Criteria: LabCorp Variant Classification Summary - May 2015. Collection method: clinical testing. Allele origin: germline.
Comment: Variant summary: NF1 c.6580-2A>G is located in a canonical splice-site and is predicted to affect mRNA splicing resulting in a significantly altered protein due to either exon skipping, shortening, or inclusion of intronic material. Several computational tools predict a significant impact on normal splicing: four predict the variant abolishes a 3' acceptor site. At least one publication reported experimental evidence confirming that this variant affects mRNA splicing (Koster_2021). The variant was absent in 251280 control chromosomes (gnomAD). c.6580-2A>G has been reported in the literature in multiple individuals affected with Neurofibromatosis Type 1 (Kang_2020, Koster_2021, and in the Leiden Open-source Variation Database). These data indicate that the variant is likely associated with disease. One clinical diagnostic laboratory has submitted clinical-significance assessments for this variant to ClinVar after 2014 and classified the variant as likely pathogenic. Based on the evidence outlined above, the variant was classified as pathogenic.

Blueprint Genetics
Classification: Likely pathogenic for NF1-related disorders. Last evaluated: 2021-06-01. Review status: criteria provided, single submitter. Criteria: ACMG Guidelines, 2015. Collection method: clinical testing. Allele origin: germline. Affected: yes. Observed: 1 variant allele.

Literature cited by the submitters: PubMed 31776437 (cited by 3 submitters); PubMed 34782607 (cited by Ambry Genetics and Women's Health and Genetics/Laboratory Corporation of America, LabCorp); PubMed 16199547 (cited by Labcorp Genetics (formerly Invitae), Labcorp); PubMed 10712197 (cited by Labcorp Genetics (formerly Invitae), Labcorp); PubMed 23913538 (cited by Labcorp Genetics (formerly Invitae), Labcorp).

NM_001042492.3(NF1):c.6643-2A>G

Gene: NF1 (neurofibromin 1; plus strand). Cytogenetic location: 17q11.2.
Variant type: single nucleotide variant.
Coding change: c.6643-2A>G on transcript NM_001042492.3 (MANE Select); the canonical splice acceptor site of the intron before coding-DNA position 6643, A replaced by G.
Molecular consequence: splice acceptor variant.
Genome position (GRCh38, 1-based): chr17:31,337,817, A>G. VCF-style: chr17-31337817-A-G. GRCh37 (hg19) VCF-style: chr17-29664835-A-G.
Other names: c.6580-2A>G (NM_000267.4).
Identifiers: ClinVar variation 652474 (VCV000652474.10), dbSNP rs1597844547, ClinGen allele CA399013643.